The following is an entry in ClinVar:

ClinVar aggregate classification (germline): Uncertain significance (1 of 4 stars; one submission).

Allele frequency attached by ClinVar (database versions not stated): gnomAD exomes below 0.00001.
gnomAD v4.1: 1 of 1,608,724 alleles (0.000062%); highest among the groups gnomAD compares: South Asian, 0.0011%; no homozygotes.

Submission:

Labcorp Genetics (formerly Invitae), Labcorp
Classification: Uncertain significance. Last evaluated: 2024-01-17. Review status: criteria provided, single submitter. Criteria: Invitae Variant Classification Sherloc (09022015). Collection method: clinical testing. Allele origin: germline.
Comment: This sequence change replaces glutamic acid, which is acidic and polar, with glutamine, which is neutral and polar, at codon 211 of the ORC6 protein (p.Glu211Gln). This variant also falls at the last nucleotide of exon 6, which is part of the consensus splice site for this exon. This variant is not present in population databases (gnomAD no frequency). This variant has not been reported in the literature in individuals affected with ORC6-related conditions. ClinVar contains an entry for this variant (Variation ID: 1909365). An algorithm developed to predict the effect of missense changes on protein structure and function (PolyPhen-2) suggests that this variant is likely to be tolerated. Variants that disrupt the consensus splice site are a relatively common cause of aberrant splicing (PMID: 17576681, 9536098). Algorithms developed to predict the effect of sequence changes on RNA splicing suggest that this variant may disrupt the consensus splice site. In summary, the available evidence is currently insufficient to determine the role of this variant in disease. Therefore, it has been classified as a Variant of Uncertain Significance.

Literature cited by the submitters: PubMed 17576681; PubMed 9536098.

NM_014321.4(ORC6):c.631G>C (p.Glu211Gln)

Gene: ORC6 (origin recognition complex subunit 6; plus strand). Cytogenetic location: 16q11.2.
Variant type: single nucleotide variant.
Coding change: c.631G>C on transcript NM_014321.4 (MANE Select); coding-DNA position 631, G replaced by C.
Protein change: p.Glu211Gln; replaces glutamic acid 211 with glutamine.
Molecular consequence: missense variant. On other transcripts: non-coding transcript variant (1).
Genome position (GRCh38, 1-based): chr16:46,696,085, G>C. VCF-style: chr16-46696085-G-C. GRCh37 (hg19) VCF-style: chr16-46729997-G-C.
Other names: short protein forms E211Q.
Identifiers: ClinVar variation 1909365 (VCV001909365.5), dbSNP rs1966514809, ClinGen allele CA395783576.